The following is an entry in ClinVar:

ClinVar aggregate classification (germline): Pathogenic (1 of 4 stars; one submission).

Submission:

Labcorp Genetics (formerly Invitae), Labcorp
Classification: Pathogenic. Last evaluated: 2024-06-24. Review status: criteria provided, single submitter. Criteria: Invitae Variant Classification Sherloc (09022015). Collection method: clinical testing. Allele origin: germline.
Comment: This sequence change creates a premature translational stop signal (p.Trp1150*) in the SPTB gene. It is expected to result in an absent or disrupted protein product. Loss-of-function variants in SPTB are known to be pathogenic (PMID: 1391962, 1498324, 8844207, 26830532, 27292444). This variant is not present in population databases (gnomAD no frequency). This premature translational stop signal has been observed in individual(s) with hereditary spherocytosis (PMID: 31040790). For these reasons, this variant has been classified as Pathogenic.

Literature cited by the submitters: PubMed 1391962; PubMed 1498324; PubMed 8844207; PubMed 26830532; PubMed 27292444; PubMed 31040790.

NM_001355436.2(SPTB):c.3449G>A (p.Trp1150Ter)

Gene: SPTB (spectrin beta, erythrocytic; minus strand). Cytogenetic location: 14q23.3.
Variant type: single nucleotide variant.
Coding change: c.3449G>A on transcript NM_001355436.2 (MANE Select); coding-DNA position 3449, G replaced by A.
Protein change: p.Trp1150Ter; replaces tryptophan 1150 with a stop codon.
Molecular consequence: nonsense.
Genome position (GRCh38, 1-based): chr14:64,786,516, C>T on the plus strand (G>A on the coding strand, the complement: SPTB is on the minus strand). VCF-style: chr14-64786516-C-T. GRCh37 (hg19) VCF-style: chr14-65253234-C-T.
Other names: c.3449G>A, p.Trp1150Ter (NM_001024858.4, NM_001355437.2); short protein forms W1150*.
Identifiers: ClinVar variation 3718647 (VCV003718647.2).